The following is an entry in ClinVar:

ClinVar aggregate classification (germline): Likely benign. Review status: criteria provided, single submitter (1 of 4 stars). 2 submissions from 2 submitters: Likely benign (1). 1 of the submissions does not count toward it. Last evaluated 2025-09-24.

Conditions:
KANK1-related disorder. Also called: KANK1-related condition.

Allele frequency attached by ClinVar (database versions not stated): gnomAD exomes below 0.00001; gnomAD 0.00001; ExAC 0.00002; 1000 Genomes Project 30x 0.00016; 1000 Genomes Project 0.00020.
gnomAD v4.1: 8 of 1,613,822 alleles (0.0005%); highest among the groups gnomAD compares: East Asian, 0.016%; no homozygotes.

Submissions (2):

Labcorp Genetics (formerly Invitae), Labcorp
Classification: Likely benign. Last evaluated: 2025-09-24. Review status: criteria provided, single submitter. Criteria: Invitae Variant Classification Sherloc (09022015). Collection method: clinical testing. Allele origin: germline.

PreventionGenetics, part of Exact Sciences
Classification: Likely benign for KANK1-related condition. Last evaluated: 2019-04-25. Review status: no assertion criteria provided. Collection method: clinical testing. Allele origin: germline. Not counted in ClinVar's aggregate classification.
Comment: This variant is classified as likely benign based on ACMG/AMP sequence variant interpretation guidelines (Richards et al. 2015 PMID: 25741868, with internal and published modifications).

NM_015158.5(KANK1):c.2100A>G (p.Leu700=)

Gene: KANK1 (KN motif and ankyrin repeat domains 1; plus strand). Cytogenetic location: 9p24.3.
Variant type: single nucleotide variant.
Coding change: c.2100A>G on transcript NM_015158.5 (MANE Select); coding-DNA position 2100, A replaced by G.
Protein change: p.Leu700=; no amino-acid change (leucine 700 retained).
Molecular consequence: synonymous variant. On other transcripts: non-coding transcript variant (1).
Genome position (GRCh38, 1-based): chr9:712,866, A>G. VCF-style: chr9-712866-A-G. GRCh37 (hg19) VCF-style: chr9-712866-A-G.
Other names: c.2100A>G, p.Leu700= (NM_001354331.2, NM_001354332.2, NM_001354334.2 and 2 more transcripts); c.1626A>G, p.Leu542= (NM_001354333.2, NM_001354335.2, NM_001354336.2 and 9 more transcripts); c.2100A>G (NM_015158.3).
Identifiers: ClinVar variation 2421521 (VCV002421521.9), dbSNP rs566519749, ClinGen allele CA4960419.
Genomic context (GRCh38, chr9:712,866, plus strand): 5'-GCACCAGTTCACCAACACCGAGACGGCCACCCTCATAGAGTCCTGCACCAACACTTGTCT[A>G]AGCACTTTGGACAAGCAGACCAGCACCCAGACTGTGGAGACGCGGACAGTAGCTGTAGGA-3'
Protein context (NP_055973.2, residues 690-710): TLIESCTNTC[Leu700=]STLDKQTSTQ